The following is an entry in ClinVar:

NM_004655.4(AXIN2):c.1908-13A>G

Gene: AXIN2 (axin 2; minus strand). Cytogenetic location: 17q24.1.
Variant type: single nucleotide variant.
Coding change: c.1908-13A>G on transcript NM_004655.4 (MANE Select); 13 bases into the intron before coding-DNA position 1908, A replaced by G.
Molecular consequence: intron variant.
Genome position (GRCh38, 1-based): chr17:65,536,566, T>C on the plus strand (A>G on the coding strand, the complement: AXIN2 is on the minus strand). VCF-style: chr17-65536566-T-C. GRCh37 (hg19) VCF-style: chr17-63532684-T-C.
Other names: c.1713-13A>G (NM_001363813.1).
Identifiers: ClinVar variation 2731768 (VCV002731768.4), dbSNP rs201297071, ClinGen allele CA8718459.

ClinVar aggregate classification (germline): Likely benign. Review status: criteria provided, multiple submitters, no conflicts (2 of 4 stars). 2 submissions from 2 submitters: Likely benign (2). Last evaluated 2025-06-15.

Conditions:
Oligodontia-cancer predisposition syndrome. Also called: TOOTH AGENESIS-COLORECTAL CANCER SYNDROME. Identifiers: Orphanet 300576, MedGen C1837750, MONDO:0012075, OMIM 608615. Disease mechanism: loss of function.

Allele frequency attached by ClinVar (database versions not stated): TOPMed below 0.00001; ExAC 0.00001; gnomAD 0.00001; 1000 Genomes Project 30x 0.00016; 1000 Genomes Project 0.00020.

Submissions (2):

Labcorp Genetics (formerly Invitae), Labcorp
Classification: Likely benign for Oligodontia-cancer predisposition syndrome. Last evaluated: 2025-06-15. Review status: criteria provided, single submitter. Criteria: Invitae Variant Classification Sherloc (09022015). Collection method: clinical testing. Allele origin: germline.

Myriad Genetics, Inc.
Classification: Likely benign for Oligodontia-cancer predisposition syndrome. Last evaluated: 2024-07-08. Review status: criteria provided, single submitter. Criteria: Myriad Autosomal Dominant, Autosomal Recessive and X-Linked Classification Criteria (2023). Collection method: clinical testing. Allele origin: unknown.
Comment: This variant is considered likely benign. This variant is intronic and is not expected to impact mRNA splicing.